The following is an entry in ClinVar:

ClinVar aggregate classification (germline): Uncertain significance (1 of 4 stars; one submission).

Submission:

Labcorp Genetics (formerly Invitae), Labcorp
Classification: Uncertain significance. Last evaluated: 2025-01-09. Review status: criteria provided, single submitter. Criteria: Invitae Variant Classification Sherloc (09022015). Collection method: clinical testing. Allele origin: germline.
Comment: This sequence change replaces glycine, which is neutral and non-polar, with valine, which is neutral and non-polar, at codon 1136 of the TRAPPC9 protein (p.Gly1136Val). This variant is not present in population databases (gnomAD no frequency). This variant has not been reported in the literature in individuals affected with TRAPPC9-related conditions. ClinVar contains an entry for this variant (Variation ID: 2195410). An algorithm developed to predict the effect of missense changes on protein structure and function (PolyPhen-2) suggests that this variant is likely to be disruptive. In summary, the available evidence is currently insufficient to determine the role of this variant in disease. Therefore, it has been classified as a Variant of Uncertain Significance.

NM_001160372.4(TRAPPC9):c.3113G>T (p.Gly1038Val)

Gene: TRAPPC9 (trafficking protein particle complex subunit 9; minus strand). Cytogenetic location: 8q24.3.
Variant type: single nucleotide variant.
Coding change: c.3113G>T on transcript NM_001160372.4 (MANE Select); coding-DNA position 3113, G replaced by T.
Protein change: p.Gly1038Val; replaces glycine 1038 with valine.
Molecular consequence: missense variant. On other transcripts: non-coding transcript variant (1).
Genome position (GRCh38, 1-based): chr8:139,732,145, C>A on the plus strand (G>T on the coding strand, the complement: TRAPPC9 is on the minus strand). VCF-style: chr8-139732145-C-A. GRCh37 (hg19) VCF-style: chr8-140744388-C-A.
Other names: c.3086G>T, p.Gly1029Val (NM_001321646.2); c.3134G>T, p.Gly1045Val (NM_001374682.1); c.3002G>T, p.Gly1001Val (NM_001374683.1); c.2969G>T, p.Gly990Val (NM_001374684.1); c.3113G>T, p.Gly1038Val (NM_031466.8); short protein forms G1038V, G990V, G1001V, G1029V, G1045V.
Identifiers: ClinVar variation 2195410 (VCV002195410.4), dbSNP rs1278362838, ClinGen allele CA372732990.